The following is an entry in ClinVar:

ClinVar aggregate classification (germline): Likely benign (1 of 4 stars; one submission).

gnomAD v4.1: 93 of 143,856 alleles (0.065%); highest among the groups gnomAD compares: South Asian, 0.59%; 1 homozygote.

Submission:

CeGaT Center for Human Genetics Tuebingen
Classification: Likely benign. Last evaluated: 2026-06-01. Review status: criteria provided, single submitter. Criteria: CeGaT Center For Human Genetics Tuebingen Variant Classification Criteria Version 2. Collection method: clinical testing. Allele origin: germline. Affected: yes. Observed: 1 variant allele.
Comment: YY2: BS2

NM_206923.4(YY2):c.-418A>G

Genes: MBTPS2 (membrane bound transcription factor peptidase, site 2; plus strand), YY2 (YY2 transcription factor; plus strand). Cytogenetic location: Xp22.12.
Variant type: single nucleotide variant.
Coding change: c.-418A>G on transcript NM_206923.4 (MANE Select); 418 bases upstream of the start codon, A replaced by G.
Molecular consequence: 5 prime UTR variant. On other transcripts: intron variant (1).
Genome position (GRCh38, 1-based): chrX:21,856,067, A>G. VCF-style: chrX-21856067-A-G. GRCh37 (hg19) VCF-style: chrX-21874185-A-G.
Other names: c.670+2564A>G (NM_015884.4).
Identifiers: ClinVar variation 4875368 (VCV004875368.2).